The following is an entry in ClinVar:

ClinVar aggregate classification (germline): Uncertain significance (1 of 4 stars; one submission).

Submission:

GeneDx
Classification: Uncertain significance. Last evaluated: 2023-04-07. Review status: criteria provided, single submitter. Criteria: GeneDx Variant Classification Process June 2021. Collection method: clinical testing. Allele origin: germline. Affected: yes.
Comment: Not observed at significant frequency in large population cohorts (gnomAD); In-frame deletion of 2 amino acids in-frame and insertion of 1 incorrect amino acid in a non-repeat region; In silico analysis supports that this variant does not alter protein structure/function; Has not been previously published as pathogenic or benign to our knowledge

NM_017780.4(CHD7):c.4199_4201del (p.Cys1400_His1401delinsTyr)

Gene: CHD7 (chromodomain helicase DNA binding protein 7; plus strand). Cytogenetic location: 8q12.2.
Variant type: Deletion.
Coding change: c.4199_4201del on transcript NM_017780.4 (MANE Select); coding-DNA positions 4199 to 4201, 3 bases deleted (GTC; older notation c.4199_4201delGTC).
Protein change: p.Cys1400_His1401delinsTyr.
Molecular consequence: inframe indel. On other transcripts: intron variant (1).
Genome position (GRCh38, 1-based): chr8:60,837,681-60,837,683, GTC deleted. VCF-style (leftmost placement, unchanged base first): chr8-60837680-TGTC-T. GRCh37 (hg19) VCF-style: chr8-61750239-TGTC-T.
Other names: c.4199_4201delGTC, p.Cys1400_His1401delinsTyr (NM_017780.2); c.1717-24548_1717-24546del (NM_001316690.1).
Identifiers: ClinVar variation 2662097 (VCV002662097.1), dbSNP rs2487910213, ClinGen allele CA2695201478.